The following is an entry in ClinVar:

ClinVar aggregate classification (germline): Uncertain significance (1 of 4 stars; one submission).

Submission:

Labcorp Genetics (formerly Invitae), Labcorp
Classification: Uncertain significance. Last evaluated: 2022-12-24. Review status: criteria provided, single submitter. Criteria: Invitae Variant Classification Sherloc (09022015). Collection method: clinical testing. Allele origin: germline.
Comment: In summary, the available evidence is currently insufficient to determine the role of this variant in disease. Therefore, it has been classified as a Variant of Uncertain Significance. This variant disrupts the C-terminus of the PAX3 protein. Other variant(s) that disrupt this region (p.Pro462Argfs*13) have been observed in individuals with PAX3-related conditions (PMID: 27978878). This suggests that this may be a clinically significant region of the protein. This premature translational stop signal has been observed in individual(s) with clinical features of Waardenburg syndrome (Invitae). This variant is not present in population databases (gnomAD no frequency). This sequence change creates a premature translational stop signal (p.Tyr448Leufs*7) in the PAX3 gene. While this is not anticipated to result in nonsense mediated decay, it is expected to disrupt the last 32 amino acid(s) of the PAX3 protein.

Literature cited by the submitters: PubMed 27978878.

NM_181458.4(PAX3):c.1342dup (p.Tyr448fs)

Gene: PAX3 (paired box 3; minus strand). Cytogenetic location: 2q36.1.
Variant type: Duplication.
Coding change: c.1342dup on transcript NM_181458.4 (MANE Select); coding-DNA position 1342, one base duplicated (T; older notation c.1342dupT).
Protein change: p.Tyr448fs; shifts the reading frame from tyrosine 448.
Molecular consequence: frameshift variant. On other transcripts: intron variant (2).
Genome position (GRCh38, 1-based): chr2:222,202,022, A duplicated on the plus strand (T on the coding strand, the reverse complement: PAX3 is on the minus strand). VCF-style (leftmost placement, unchanged base first): chr2-222202021-T-TA. GRCh37 (hg19) VCF-style: chr2-223066740-T-TA.
Other names: c.1339dup, p.Tyr447fs (NM_001127366.3); c.1342dup, p.Tyr448fs (NM_181457.4, NM_181459.4); c.1174-580dup (NM_181460.4, NM_181461.4); short protein forms Y448fs, Y447fs.
Identifiers: ClinVar variation 2809987 (VCV002809987.3), dbSNP rs2469196494, ClinGen allele CA2739279373.